The following is an entry in ClinVar:

NM_000169.3(GLA):c.733T>C (p.Trp245Arg)

Genes: GLA (galactosidase alpha; minus strand), RPL36A-HNRNPH2 (RPL36A-HNRNPH2 readthrough; plus strand). Cytogenetic location: Xq22.1.
Variant type: single nucleotide variant.
Coding change: c.733T>C on transcript NM_000169.3 (MANE Select); coding-DNA position 733, T replaced by C.
Protein change: p.Trp245Arg; replaces tryptophan 245 with arginine.
Molecular consequence: missense variant. On other transcripts: non-coding transcript variant (3), intron variant (2).
Genome position (GRCh38, 1-based): chrX:101,398,853, A>G on the plus strand (T>C on the coding strand, the complement: GLA is on the minus strand). VCF-style: chrX-101398853-A-G. GRCh37 (hg19) VCF-style: chrX-100653841-A-G.
Other names: c.856T>C, p.Trp286Arg (NM_001406747.1); c.733T>C, p.Trp245Arg (NM_001406748.1); c.300+3396A>G (NM_001199973.2); c.177+7031A>G (NM_001199974.2); short protein forms W245R, W286R.
Identifiers: ClinVar variation 4087488 (VCV004087488.2).
Genomic context (GRCh38, chrX:101,398,853, plus strand): 5'-GGTCATTCCAACCCCCTGGTCCAGCAACATCAACAATTCTCTCCTGGTTAAAAGATGTCC[A>G]GTCCAAGATACTCTTTATACTTTTCCAGGAATCATCAATGTCAGCAAAATTTCGCCAGTG-3'
Protein context (NP_000160.1, residues 235-255): SWKSIKSILD[Trp245Arg]TSFNQERIVD

ClinVar aggregate classification (germline): Uncertain significance (1 of 4 stars; one submission).

Conditions:
Fabry disease. Also called: ALPHA-GALACTOSIDASE A DEFICIENCY; ANDERSON-FABRY DISEASE; CERAMIDE TRIHEXOSIDASE DEFICIENCY; GLA DEFICIENCY; HEREDITARY DYSTOPIC LIPIDOSIS; Angiokeratoma corporis diffusum. Identifiers: Orphanet 324, MedGen C0002986, MONDO:0010526, OMIM 301500, HP:0001071. Disease mechanism: Fabry disease is due to inactivating mutations in the X-linked GLA gene resulting in deficiency of the enzyme Alpha Galactosidase-A., loss of function.

Submission:

Genomenon, Inc
Classification: Uncertain significance for Fabry disease. Last evaluated: 2026-09-08. Review status: criteria provided, single submitter. Criteria: Genomenon Sequence Variant Interpretation Standards - Updated. Collection method: curation. Allele origin: germline. Affected: yes.
Comment: GLA p.Trp245Arg (c.733T>C) is a missense variant that changes the amino acid at codon 245 from Tryptophan to Arginine. This variant has been observed in at least one proband with clinical features consistent with Fabry disease (PMID:39348817). It is absent or not present at a significant frequency in gnomAD. In silico models predict that this variant is possibly or probably damaging. In conclusion, we classify GLA p.Trp245Arg (c.733T>C) as a variant of uncertain significance.

Literature cited by the submitters: PubMed 39348817.